The following is an entry in ClinVar:

ClinVar aggregate classification (germline): Uncertain significance (1 of 4 stars; one submission).

Submission:

Ambry Genetics
Classification: Uncertain significance. Last evaluated: 2024-06-30. Review status: criteria provided, single submitter. Criteria: Ambry Variant Classification Scheme 2023. Collection method: clinical testing. Allele origin: germline.
Comment: The p.D17Y variant (also known as c.49G>T), located in coding exon 1 of the EGLN1 gene, results from a G to T substitution at nucleotide position 49. The aspartic acid at codon 17 is replaced by tyrosine, an amino acid with highly dissimilar properties. This amino acid position is conserved. In addition, the in silico prediction for this alteration is inconclusive. Based on the available evidence, the clinical significance of this variant remains unclear.

NM_022051.3(EGLN1):c.49G>T (p.Asp17Tyr)

Gene: EGLN1 (egl-9 family hypoxia inducible factor 1; minus strand). Cytogenetic location: 1q42.2.
Variant type: single nucleotide variant.
Coding change: c.49G>T on transcript NM_022051.3 (MANE Select); coding-DNA position 49, G replaced by T.
Protein change: p.Asp17Tyr; replaces aspartic acid 17 with tyrosine.
Molecular consequence: missense variant.
Genome position (GRCh38, 1-based): chr1:231,421,840, C>A on the plus strand (G>T on the coding strand, the complement: EGLN1 is on the minus strand). VCF-style: chr1-231421840-C-A. GRCh37 (hg19) VCF-style: chr1-231557586-C-A.
Other names: c.49G>T, p.Asp17Tyr (NM_001377260.1, NM_001377261.1); short protein forms D17Y.
Identifiers: ClinVar variation 3507205 (VCV003507205.1).